The following is an entry in ClinVar:

ClinVar aggregate classification (germline): Uncertain significance. Review status: criteria provided, multiple submitters, no conflicts (2 of 4 stars). 2 submissions from 2 submitters: Uncertain significance (2). Last evaluated 2024-10-29.

Conditions:
Lower motor neuron syndrome with late-adult onset (SMAJ). Also called: Spinal muscular atrophy, Jokela type; Late-Onset Spinal Motor Neuronopathy (SMAJ). Identifiers: Orphanet 276435, MedGen C3554398, MONDO:0014025, OMIM 615048.
Autosomal dominant mitochondrial myopathy with exercise intolerance (IMMD). Also called: Myopathy, isolated mitochondrial, autosomal dominant. Identifiers: Orphanet 457050, MedGen C4015513, MONDO:0014532, OMIM 616209.
Frontotemporal dementia and/or amyotrophic lateral sclerosis 2. Also called: FTDALS2. Identifiers: Orphanet 275872, MedGen C4014648, MONDO:0014395, OMIM 615911.
Inborn genetic diseases. Identifiers: MedGen C0950123, MeSH D030342.

Allele frequency attached by ClinVar (database versions not stated): TOPMed below 0.00001.

Submissions (2):

Ambry Genetics
Classification: Uncertain significance for Inborn genetic diseases. Last evaluated: 2024-10-29. Review status: criteria provided, single submitter. Criteria: Ambry Variant Classification Scheme 2023. Collection method: clinical testing. Allele origin: germline.

Labcorp Genetics (formerly Invitae), Labcorp
Classification: Uncertain significance for Lower motor neuron syndrome with late-adult onset; Frontotemporal dementia and/or amyotrophic lateral sclerosis 2; Autosomal dominant mitochondrial myopathy with exercise intolerance. Last evaluated: 2023-07-17. Review status: criteria provided, single submitter. Criteria: Invitae Variant Classification Sherloc (09022015). Collection method: clinical testing. Allele origin: germline.
Comment: This variant is not present in population databases (gnomAD no frequency). This sequence change replaces histidine, which is basic and polar, with asparagine, which is neutral and polar, at codon 26 of the CHCHD10 protein (p.His26Asn). This variant has not been reported in the literature in individuals affected with CHCHD10-related conditions. In summary, the available evidence is currently insufficient to determine the role of this variant in disease. Therefore, it has been classified as a Variant of Uncertain Significance. Experimental studies and prediction algorithms are not available or were not evaluated, and the functional significance of this variant is currently unknown.

NM_213720.3(CHCHD10):c.76C>A (p.His26Asn)

Gene: CHCHD10 (coiled-coil-helix-coiled-coil-helix domain containing 10; minus strand). Cytogenetic location: 22q11.23.
Variant type: single nucleotide variant.
Coding change: c.76C>A on transcript NM_213720.3 (MANE Select); coding-DNA position 76, C replaced by A.
Protein change: p.His26Asn; replaces histidine 26 with asparagine.
Molecular consequence: missense variant.
Genome position (GRCh38, 1-based): chr22:23,767,559, G>T on the plus strand (C>A on the coding strand, the complement: CHCHD10 is on the minus strand). VCF-style: chr22-23767559-G-T. GRCh37 (hg19) VCF-style: chr22-24109746-G-T.
Other names: c.76C>A, p.His26Asn (NM_001301339.2); c.76C>A (NM_213720.1); short protein forms H26N.
Identifiers: ClinVar variation 2933796 (VCV002933796.4), dbSNP rs967231769, ClinGen allele CA322574065.